The following is an entry in ClinVar:

ClinVar aggregate classification (germline): Pathogenic/Likely pathogenic. Review status: criteria provided, multiple submitters, no conflicts (2 of 4 stars). 6 submissions from 6 submitters: Pathogenic (2); Likely pathogenic (4). Last evaluated 2025-12-16.

Conditions:
Intellectual developmental disorder, autosomal recessive 65. Also called: Intellectual disability, autosomal recessive 65; MENTAL RETARDATION, AUTOSOMAL RECESSIVE 65. Identifiers: MedGen C4748219, MONDO:0020850, OMIM 618109.

Allele frequency attached by ClinVar (database versions not stated): gnomAD 0.00001; gnomAD exomes 0.00001; TOPMed 0.00001; ExAC 0.00002.
gnomAD v4.1: 10 of 1,612,040 alleles (0.00062%); highest among the groups gnomAD compares: Admixed American, 0.0017%; no homozygotes.

Submissions (6):

Laboratorio de Genetica e Diagnostico Molecular, Hospital Israelita Albert Einstein
Classification: Likely pathogenic for Intellectual developmental disorder, autosomal recessive 65. Last evaluated: 2025-12-16. Review status: criteria provided, single submitter. Criteria: ACMG Guidelines, 2015. Collection method: clinical testing. Allele origin: germline. Affected: yes.
Comment: ACMG classification criteria: PVS1 very strong, PM2 supporting

CeGaT Center for Human Genetics Tuebingen
Classification: Likely pathogenic. Last evaluated: 2025-12-01. Review status: criteria provided, single submitter. Criteria: CeGaT Center For Human Genetics Tuebingen Variant Classification Criteria Version 2. Collection method: clinical testing. Allele origin: germline. Affected: yes. Observed: 1 variant allele.
Comment: KDM5B: PVS1:Strong, PS4:Moderate

Variantyx, Inc.
Classification: Likely pathogenic for Intellectual developmental disorder, autosomal recessive 65. Last evaluated: 2025-08-08. Review status: criteria provided, single submitter. Criteria: Variantyx Assertion Criteria 2022. Collection method: clinical testing. Allele origin: germline. Inheritance: Autosomal recessive inheritance. Affected: no.
Comment: This is a nonsense variant in the KDM5B gene (OMIM: 605393). Pathogenic variants in this gene have been associated with autosomal recessive intellectual developmental disorder 65. This variant introduces a premature termination codon in exon 10 out of 27 and is expected to result in loss of function, which is a known disease mechanism for KDM5B in this disorder (PMID: 29276005, 30409806) (PVS1). This variant has a 0.0017% maximum allele frequency in non-founder control populations (PM2). Based on the current evidence, this variant is classified as likely pathogenic for autosomal recessive intellectual developmental disorder 65.

Women's Health and Genetics/Laboratory Corporation of America, LabCorp
Classification: Pathogenic for Intellectual developmental disorder, autosomal recessive 65. Last evaluated: 2025-02-12. Review status: criteria provided, single submitter. Criteria: LabCorp Variant Classification Summary - May 2015. Collection method: clinical testing. Allele origin: germline.
Comment: Variant summary: KDM5B c.1321C>T (p.Arg441X) results in a premature termination codon, predicted to cause a truncation of the encoded protein or absence of the protein due to nonsense mediated decay, which are commonly known mechanisms for disease. The variant allele was found at a frequency of 1.2e-05 in 250492 control chromosomes. To our knowledge, no occurrence of c.1321C>T in individuals affected with Intellectual Disability, Autosomal Recessive 65 and no experimental evidence demonstrating its impact on protein function have been reported. ClinVar contains an entry for this variant (Variation ID: 1699572). Based on the evidence outlined above, the variant was classified as pathogenic.

GeneDx
Classification: Pathogenic. Last evaluated: 2024-07-03. Review status: criteria provided, single submitter. Criteria: GeneDx Variant Classification Process June 2021. Collection method: clinical testing. Allele origin: germline.
Comment: Nonsense variant predicted to result in protein truncation or nonsense mediated decay in a gene for which loss of function is a known mechanism of disease; Not observed at significant frequency in large population cohorts (gnomAD); Has not been previously published as pathogenic or benign to our knowledge

Greenwood Genetic Center Diagnostic Laboratories, Greenwood Genetic Center
Classification: Likely pathogenic for Intellectual developmental disorder, autosomal recessive 65. Last evaluated: 2024-05-24. Review status: criteria provided, single submitter. Criteria: ACMG Guidelines, 2015. Collection method: clinical testing. Allele origin: germline. Affected: yes.
Comment: PVS1, PM2

Literature cited by the submitters: PubMed 29276005 (cited by Variantyx, Inc.); PubMed 30409806 (cited by Variantyx, Inc.).

NM_006618.5(KDM5B):c.1321C>T (p.Arg441Ter)

Gene: KDM5B (lysine demethylase 5B; minus strand). Cytogenetic location: 1q32.1.
Variant type: single nucleotide variant.
Coding change: c.1321C>T on transcript NM_006618.5 (MANE Select); coding-DNA position 1321, C replaced by T.
Protein change: p.Arg441Ter; replaces arginine 441 with a stop codon.
Molecular consequence: nonsense.
Genome position (GRCh38, 1-based): chr1:202,756,393, G>A on the plus strand (C>T on the coding strand, the complement: KDM5B is on the minus strand). VCF-style: chr1-202756393-G-A. GRCh37 (hg19) VCF-style: chr1-202725521-G-A.
Other names: c.1429C>T, p.Arg477Ter (NM_001314042.2); c.1186C>T, p.Arg396Ter (NM_001347591.2); c.1306C>T, p.Arg436Ter (NM_001399817.1); short protein forms R396*, R436*, R441*, R477*.
Identifiers: ClinVar variation 1699572 (VCV001699572.30), dbSNP rs527951173, ClinGen allele CA1334753.